The following is an entry in ClinVar:

ClinVar aggregate classification (germline): Uncertain significance (1 of 4 stars; one submission).

Conditions:
Hereditary cancer-predisposing syndrome. Also called: Neoplastic Syndromes, Hereditary; Hereditary Cancer Syndrome; Tumor predisposition; Hereditary neoplastic syndrome. Identifiers: Orphanet 140162, MedGen C0027672, MeSH D009386, MONDO:0015356.

Submission:

Ambry Genetics
Classification: Uncertain significance for Hereditary cancer-predisposing syndrome. Last evaluated: 2025-02-10. Review status: criteria provided, single submitter. Criteria: Ambry Variant Classification Scheme 2023. Collection method: clinical testing. Allele origin: germline.
Comment: The p.L7V variant (also known as c.19C>G), located in coding exon 1 of the SDHD gene, results from a C to G substitution at nucleotide position 19. The leucine at codon 7 is replaced by valine, an amino acid with highly similar properties. This variant was detected in a cohort of 314 Chinese pheochromocytoma/paraganglioma (PPGL) subjects (Ma X et al. Front Endocrinol (Lausanne), 2020 Dec;11:574662). This amino acid position is highly conserved in available vertebrate species. In addition, this alteration is predicted to be deleterious by in silico analysis. Based on the available evidence, the clinical significance of this variant remains unclear.

Literature cited by the submitters: PubMed 33362715.

NM_003002.4(SDHD):c.19C>G (p.Leu7Val)

Genes: SDHD (succinate dehydrogenase complex subunit D; plus strand), LOC126861339 (BRD4-independent group 4 enhancer GRCh37_chr11:111957035-111958234; plus strand). Cytogenetic location: 11q23.1.
Variant type: single nucleotide variant.
Coding change: c.19C>G on transcript NM_003002.4 (MANE Select); coding-DNA position 19, C replaced by G.
Protein change: p.Leu7Val; replaces leucine 7 with valine.
Molecular consequence: missense variant. On other transcripts: non-coding transcript variant (1).
Genome position (GRCh38, 1-based): chr11:112,086,926, C>G. VCF-style: chr11-112086926-C-G. GRCh37 (hg19) VCF-style: chr11-111957650-C-G.
Other names: c.19C>G, p.Leu7Val (NM_001276503.2, NM_001276504.2, NM_001276506.2); short protein forms L7V.
Identifiers: ClinVar variation 3793604 (VCV003793604.1).
Genomic context (GRCh38, chr11:112,086,926, plus strand): 5'-TGGTTCCGGGTTGGTGGATGACCTTGAGCCCTCAGGAACGAGATGGCGGTTCTCTGGAGG[C>G]TGAGTGCCGTTTGCGGTGCCCTAGGAGGCCGAGGTGAGGGGTCTTCCCACCCTGAGGTGC-3'
Protein context (NP_002993.1, residues 1-17): MAVLWR[Leu7Val]SAVCGALGGR